The following is an entry in ClinVar:

ClinVar aggregate classification (germline): Uncertain significance (1 of 4 stars; one submission).

Conditions:
Epidermodysplasia verruciformis. Identifiers: Orphanet 302, MedGen C0014522, MONDO:0009176.

Allele frequency attached by ClinVar (database versions not stated): gnomAD 0.00001; TOPMed 0.00002; gnomAD exomes 0.00003.

Submission:

Labcorp Genetics (formerly Invitae), Labcorp
Classification: Uncertain significance for Epidermodysplasia verruciformis. Last evaluated: 2022-05-24. Review status: criteria provided, single submitter. Criteria: Invitae Variant Classification Sherloc (09022015). Collection method: clinical testing. Allele origin: germline.
Comment: This sequence change replaces leucine, which is neutral and non-polar, with proline, which is neutral and non-polar, at codon 752 of the TMC6 protein (p.Leu752Pro). This variant is present in population databases (rs200842857, gnomAD 0.01%). This variant has not been reported in the literature in individuals affected with TMC6-related conditions. ClinVar contains an entry for this variant (Variation ID: 945456). Algorithms developed to predict the effect of missense changes on protein structure and function are either unavailable or do not agree on the potential impact of this missense change (SIFT: "Not Available"; PolyPhen-2: "Probably Damaging"; Align-GVGD: "Not Available"). In summary, the available evidence is currently insufficient to determine the role of this variant in disease. Therefore, it has been classified as a Variant of Uncertain Significance.

NM_001127198.5(TMC6):c.2255T>C (p.Leu752Pro)

Gene: TMC6 (transmembrane channel like 6; minus strand). Cytogenetic location: 17q25.3.
Variant type: single nucleotide variant.
Coding change: c.2255T>C on transcript NM_001127198.5 (MANE Select); coding-DNA position 2255, T replaced by C.
Protein change: p.Leu752Pro; replaces leucine 752 with proline.
Molecular consequence: missense variant.
Genome position (GRCh38, 1-based): chr17:78,117,291, A>G on the plus strand (T>C on the coding strand, the complement: TMC6 is on the minus strand). VCF-style: chr17-78117291-A-G. GRCh37 (hg19) VCF-style: chr17-76113372-A-G.
Other names: c.2075T>C, p.Leu692Pro (NM_001374594.1, NM_001374593.1); c.2255T>C, p.Leu752Pro (NM_001374596.1, NM_001375353.1, NM_001375354.1 and 2 more transcripts); short protein forms L752P, L692P.
Identifiers: ClinVar variation 945456 (VCV000945456.9), dbSNP rs200842857, ClinGen allele CA8795363.